The following is an entry in ClinVar:

NM_025137.4(SPG11):c.1142T>G (p.Val381Gly)

Gene: SPG11 (SPG11 vesicle trafficking associated, spatacsin; minus strand). Cytogenetic location: 15q21.1.
Variant type: single nucleotide variant.
Coding change: c.1142T>G on transcript NM_025137.4 (MANE Select); coding-DNA position 1142, T replaced by G.
Protein change: p.Val381Gly; replaces valine 381 with glycine.
Molecular consequence: missense variant.
Genome position (GRCh38, 1-based): chr15:44,651,805, A>C on the plus strand (T>G on the coding strand, the complement: SPG11 is on the minus strand). VCF-style: chr15-44651805-A-C. GRCh37 (hg19) VCF-style: chr15-44944003-A-C.
Other names: c.1142T>G, p.Val381Gly (NM_001160227.2); short protein forms V381G.
Identifiers: ClinVar variation 952812 (VCV000952812.9), dbSNP rs2084787461, ClinGen allele CA392236498.
Genomic context (GRCh38, chr15:44,651,805, plus strand): 5'-TTCTGTAGAACATTATATTGCCCATGCATTATGTCCTGTGGAATGAAGGCCCAGCTCTGC[A>C]CACTTGTACTGTGGTTACCAGATTCAGGTGACTCCAAATGCAAAATATCCTGGAACCATG-3'
Protein context (NP_079413.3, residues 371-391): SPESGNHSTS[Val381Gly]QSWAFIPQDI

ClinVar aggregate classification (germline): Uncertain significance (1 of 4 stars; one submission).

Conditions:
Hereditary spastic paraplegia 11. Also called: SPASTIC PARAPLEGIA, AUTOSOMAL RECESSIVE, COMPLICATED, WITH THIN CORPUS CALLOSUM; SPASTIC PARAPLEGIA, AUTOSOMAL RECESSIVE, WITH MENTAL IMPAIRMENT AND THIN CORPUS CALLOSUM; Spastic Paraplegia 11; Nakamura Osame syndrome; Autosomal recessive hereditary spastic paraplegia, mental impairment, and thin corpus callosum; Spastic paraplegia, mental retardation and thin corpus callosum. Identifiers: Orphanet 2822, MedGen C1858479, MONDO:0011445, OMIM 604360.

Submission:

Labcorp Genetics (formerly Invitae), Labcorp
Classification: Uncertain significance for Hereditary spastic paraplegia 11. Last evaluated: 2019-04-15. Review status: criteria provided, single submitter. Criteria: Invitae Variant Classification Sherloc (09022015). Collection method: clinical testing. Allele origin: germline.
Comment: This sequence change replaces valine with glycine at codon 381 of the SPG11 protein (p.Val381Gly). The valine residue is weakly conserved and there is a moderate physicochemical difference between valine and glycine. This variant is not present in population databases (ExAC no frequency). This variant has not been reported in the literature in individuals with SPG11-related conditions. Algorithms developed to predict the effect of missense changes on protein structure and function are either unavailable or do not agree on the potential impact of this missense change (SIFT: "Tolerated"; PolyPhen-2: "Possibly Damaging"; Align-GVGD: "Class C0"). In summary, the available evidence is currently insufficient to determine the role of this variant in disease. Therefore, it has been classified as a Variant of Uncertain Significance.